The following is an entry in ClinVar:

ClinVar aggregate classification (germline): Uncertain significance (1 of 4 stars; one submission).

gnomAD v4.1: 1 of 1,613,656 alleles (0.000062%); highest among the groups gnomAD compares: African/African-American, 0.0013%; no homozygotes.

Submission:

Labcorp Genetics (formerly Invitae), Labcorp
Classification: Uncertain significance. Last evaluated: 2024-02-28. Review status: criteria provided, single submitter. Criteria: Invitae Variant Classification Sherloc (09022015). Collection method: clinical testing. Allele origin: germline.
Comment: This sequence change replaces leucine, which is neutral and non-polar, with valine, which is neutral and non-polar, at codon 550 of the INTU protein (p.Leu550Val). This variant is not present in population databases (gnomAD no frequency). This variant has not been reported in the literature in individuals affected with INTU-related conditions. Advanced modeling of protein sequence and biophysical properties (such as structural, functional, and spatial information, amino acid conservation, physicochemical variation, residue mobility, and thermodynamic stability) performed at Invitae indicates that this missense variant is not expected to disrupt INTU protein function with a negative predictive value of 80%. In summary, the available evidence is currently insufficient to determine the role of this variant in disease. Therefore, it has been classified as a Variant of Uncertain Significance.

NM_015693.4(INTU):c.1648T>G (p.Leu550Val)

Gene: INTU (inturned planar cell polarity protein; plus strand). Cytogenetic location: 4q28.1.
Variant type: single nucleotide variant.
Coding change: c.1648T>G on transcript NM_015693.4 (MANE Select); coding-DNA position 1648, T replaced by G.
Protein change: p.Leu550Val; replaces leucine 550 with valine.
Molecular consequence: missense variant.
Genome position (GRCh38, 1-based): chr4:127,705,672, T>G. VCF-style: chr4-127705672-T-G. GRCh37 (hg19) VCF-style: chr4-128626827-T-G.
Other names: short protein forms L550V.
Identifiers: ClinVar variation 3615468 (VCV003615468.2).
Genomic context (GRCh38, chr4:127,705,672, plus strand): 5'-TTGCCCAAGGATGATCTTATTGATATTGCCGTATACTGTCGCCACTATTGCCTGCTGCCT[T>G]TAGCAGCAAAACAAAGAATTGGTCAGTTGATCATATGGAGAGAAGTGTTTCCTCAGCATC-3'
Protein context (NP_056508.2, residues 540-560): VYCRHYCLLP[Leu550Val]AAKQRIGQLI